The following is an entry in ClinVar:

ClinVar aggregate classification (germline): Pathogenic (1 of 4 stars; one submission).

Submission:

GeneDx
Classification: Pathogenic. Last evaluated: 2018-03-13. Review status: criteria provided, single submitter. Criteria: GeneDx Variant Classification (06012015). Collection method: clinical testing. Allele origin: germline. Affected: yes.
Comment: The c.2438dupA pathogenic variant in the L1CAM gene causes a frameshift starting with codon Alanine 814, changes this amino acid to a Glycine residue and creates a premature Stop codon at position 4 of the new reading frame, denoted p.Ala814GlyfsX4. This pathogenic variant is predicted to cause loss of normal protein function either through protein truncation or nonsense-mediated mRNA decay. The c.2438dupA variant is not observed in large population cohorts (Lek et al., 2016; 1000 Genomes Consortium et al., 2015; Exome Variant Server).

NM_001278116.2(L1CAM):c.2438dup (p.Ala814fs)

Gene: L1CAM (L1 cell adhesion molecule; minus strand). Cytogenetic location: Xq28.
Variant type: Duplication.
Coding change: c.2438dup on transcript NM_001278116.2 (MANE Select); coding-DNA position 2438, one base duplicated (A; older notation c.2438dupA).
Protein change: p.Ala814fs; shifts the reading frame from alanine 814.
Molecular consequence: frameshift variant.
Genome position (GRCh38, 1-based): chrX:153,865,813, T duplicated on the plus strand (A on the coding strand, the reverse complement: L1CAM is on the minus strand). VCF-style (leftmost placement, unchanged base first): chrX-153865812-C-CT. GRCh37 (hg19) VCF-style: chrX-153131267-C-CT.
Other names: c.2438dup, p.Ala814fs (NM_000425.5, NM_024003.3); c.2423dup, p.Ala809fs (NM_001143963.2); short protein forms A814fs, A809fs.
Identifiers: ClinVar variation 429911 (VCV000429911.2), dbSNP rs1131691666, ClinGen allele CA645369762.